The following is an entry in ClinVar:

ClinVar aggregate classification (germline): Uncertain significance (1 of 4 stars; one submission).

Conditions:
FADD-related immunodeficiency. Also called: Infections, recurrent, with encephalopathy, hepatic dysfunction, and cardiovascular malformations; FADD DEFICIENCY. Identifiers: Orphanet 306550, MedGen C3151062, MONDO:0013408, OMIM 613759.

Allele frequency attached by ClinVar (database versions not stated): gnomAD exomes 0.00001; TOPMed 0.00004; gnomAD 0.00011.
gnomAD v4.1: 20 of 1,612,460 alleles (0.0012%); highest among the groups gnomAD compares: Admixed American, 0.033%; no homozygotes.

Submission:

Labcorp Genetics (formerly Invitae), Labcorp
Classification: Uncertain significance for FADD-related immunodeficiency. Last evaluated: 2022-06-16. Review status: criteria provided, single submitter. Criteria: Invitae Variant Classification Sherloc (09022015). Collection method: clinical testing. Allele origin: germline.
Comment: In summary, the available evidence is currently insufficient to determine the role of this variant in disease. Therefore, it has been classified as a Variant of Uncertain Significance. Algorithms developed to predict the effect of missense changes on protein structure and function (SIFT, PolyPhen-2, Align-GVGD) all suggest that this variant is likely to be disruptive. This variant has not been reported in the literature in individuals affected with FADD-related conditions. This variant is present in population databases (no rsID available, gnomAD 0.006%). This sequence change replaces glutamic acid, which is acidic and polar, with lysine, which is basic and polar, at codon 37 of the FADD protein (p.Glu37Lys).

NM_003824.4(FADD):c.109G>A (p.Glu37Lys)

Gene: FADD (Fas associated via death domain; plus strand). Cytogenetic location: 11q13.3.
Variant type: single nucleotide variant.
Coding change: c.109G>A on transcript NM_003824.4 (MANE Select); coding-DNA position 109, G replaced by A.
Protein change: p.Glu37Lys; replaces glutamic acid 37 with lysine.
Molecular consequence: missense variant.
Genome position (GRCh38, 1-based): chr11:70,203,568, G>A. VCF-style: chr11-70203568-G-A. GRCh37 (hg19) VCF-style: chr11-70049674-G-A.
Other names: short protein forms E37K.
Identifiers: ClinVar variation 1940096 (VCV001940096.5), dbSNP rs910472466, ClinGen allele CA223535318.
Genomic context (GRCh38, chr11:70,203,568, plus strand): 5'-AGCAGCGAGCTGACCGAGCTCAAGTTCCTATGCCTCGGGCGCGTGGGCAAGCGCAAGCTG[G>A]AGCGCGTGCAGAGCGGCCTAGACCTCTTCTCCATGCTGCTGGAGCAGAACGACCTGGAGC-3'
Protein context (NP_003815.1, residues 27-47): CLGRVGKRKL[Glu37Lys]RVQSGLDLFS